The following is an entry in ClinVar:

NM_001379270.1(CNGA1):c.706T>C (p.Tyr236His)

Genes: CNGA1 (cyclic nucleotide gated channel subunit alpha 1; minus strand), LOC101927157 (uncharacterized LOC101927157; plus strand). Cytogenetic location: 4p12.
Variant type: single nucleotide variant.
Coding change: c.706T>C on transcript NM_001379270.1 (MANE Select); coding-DNA position 706, T replaced by C.
Protein change: p.Tyr236His; replaces tyrosine 236 with histidine.
Molecular consequence: missense variant.
Genome position (GRCh38, 1-based): chr4:47,937,776, A>G on the plus strand (T>C on the coding strand, the complement: CNGA1 is on the minus strand). VCF-style: chr4-47937776-A-G. GRCh37 (hg19) VCF-style: chr4-47939793-A-G.
Other names: c.706T>C, p.Tyr236His (NM_000087.5, NM_001142564.2); short protein forms Y236H.
Identifiers: ClinVar variation 3655816 (VCV003655816.2).

ClinVar aggregate classification (germline): Uncertain significance (1 of 4 stars; one submission).

gnomAD v4.1: 4 of 1,613,568 alleles (0.00025%); highest among the groups gnomAD compares: Non-Finnish European, 0.00034%; no homozygotes.

Submission:

Labcorp Genetics (formerly Invitae), Labcorp
Classification: Uncertain significance. Last evaluated: 2024-06-06. Review status: criteria provided, single submitter. Criteria: Invitae Variant Classification Sherloc (09022015). Collection method: clinical testing. Allele origin: germline.
Comment: This sequence change replaces tyrosine, which is neutral and polar, with histidine, which is basic and polar, at codon 240 of the CNGA1 protein (p.Tyr240His). This variant is not present in population databases (gnomAD no frequency). This missense change has been observed in individual(s) with clinical features of retinitis pigmentosa (Invitae). In at least one individual the data is consistent with being in trans (on the opposite chromosome) from a pathogenic variant. Advanced modeling of protein sequence and biophysical properties (such as structural, functional, and spatial information, amino acid conservation, physicochemical variation, residue mobility, and thermodynamic stability) has been performed at Invitae for this missense variant, however the output from this modeling did not meet the statistical confidence thresholds required to predict the impact of this variant on CNGA1 protein function. In summary, the available evidence is currently insufficient to determine the role of this variant in disease. Therefore, it has been classified as a Variant of Uncertain Significance.